The following is an entry in ClinVar:

NM_001267550.2(TTN):c.53288-18G>T

Genes: TTN (titin; minus strand), TTN-AS1 (TTN antisense RNA 1; plus strand), LOC126806425 (BRD4-independent group 4 enhancer GRCh37_chr2:179471933-179473132; plus strand). Cytogenetic location: 2q31.2.
Variant type: single nucleotide variant.
Coding change: c.53288-18G>T on transcript NM_001267550.2 (MANE Select); 18 bases into the intron before coding-DNA position 53288, G replaced by T.
Molecular consequence: intron variant.
Genome position (GRCh38, 1-based): chr2:178,607,332, C>A on the plus strand (G>T on the coding strand, the complement: TTN is on the minus strand). VCF-style: chr2-178607332-C-A. GRCh37 (hg19) VCF-style: chr2-179472059-C-A.
Other names: c.26093-18G>T (NM_003319.4); c.26669-18G>T (NM_133437.4); c.26468-18G>T (NM_133432.3); c.45584-18G>T (NM_133378.4); c.48365-18G>T (NM_001256850.1).
Identifiers: ClinVar variation 202274 (VCV000202274.19), dbSNP rs72646810, ClinGen allele CA308952.

ClinVar aggregate classification (germline): Benign/Likely benign. Review status: criteria provided, multiple submitters, no conflicts (2 of 4 stars). 11 submissions from 8 submitters: Benign (7); Likely benign (1). 3 of the submissions do not count toward it. Last evaluated 2026-02-01.

Conditions:
Dilated cardiomyopathy 1G (CMD1G). Identifiers: Orphanet 154, MedGen C1858763, MONDO:0011400, OMIM 604145.
Autosomal recessive limb-girdle muscular dystrophy type 2J (LGMDR10). Also called: MUSCULAR DYSTROPHY, LIMB-GIRDLE, AUTOSOMAL RECESSIVE 10; Limb-girdle muscular dystrophy, type 2J. Identifiers: Orphanet 140922, MedGen C1837342, MONDO:0012127, OMIM 608807.
Tibial muscular dystrophy (TMD). Also called: Udd Distal Myopathy – Tibial Muscular Dystrophy; Tibial muscular dystrophy, tardive; UDD MYOPATHY. Identifiers: Orphanet 609, MedGen C1838244, MONDO:0010870, OMIM 600334.
Myopathy, myofibrillar, 9, with early respiratory failure (MFM9). Also called: Hereditary myopathy with early respiratory failure; EDSTROM MYOPATHY; Myopathy, distal, with early respiratory failure, autosomal dominant; MYOPATHY, PROXIMAL, WITH EARLY RESPIRATORY MUSCLE INVOLVEMENT. Identifiers: Orphanet 178464, Orphanet 34521, MedGen C1863599, MONDO:0011362, OMIM 603689.
Early-onset myopathy with fatal cardiomyopathy (CMYO5). Also called: CONGENITAL MYOPATHY 5 WITH CARDIOMYOPATHY; Salih Myopathy. Identifiers: Orphanet 289377, MedGen C2673677, MONDO:0012714, OMIM 611705. Disease mechanism: loss of function.
Hypertrophic cardiomyopathy 9. Also called: Familial hypertrophic cardiomyopathy 9. Identifiers: MedGen C1861065, MONDO:0013412, OMIM 613765.

Allele frequency attached by ClinVar (database versions not stated): ExAC 0.00177; 1000 Genomes Project 30x 0.00500; ESP Exome Variant Server 0.00624; gnomAD exomes 0.00146 and 0.00049; TOPMed 0.00627; 1000 Genomes Project 0.00439; gnomAD 0.00595 and 0.00643.
gnomAD v4.1: 1,632 of 1,611,588 alleles (0.1%); highest among the groups gnomAD compares: African/African-American, 2%; 18 homozygotes.

Submissions (11):

Labcorp Genetics (formerly Invitae), Labcorp
Classification: Benign for Dilated cardiomyopathy 1G; Autosomal recessive limb-girdle muscular dystrophy type 2J. Last evaluated: 2026-02-01. Review status: criteria provided, single submitter. Criteria: Invitae Variant Classification Sherloc (09022015). Collection method: clinical testing. Allele origin: germline.

Genome-Nilou Lab
Classification: Benign for Autosomal recessive limb-girdle muscular dystrophy type 2J. Last evaluated: 2021-09-10. Review status: criteria provided, single submitter. Criteria: ACMG Guidelines, 2015. Collection method: clinical testing. Allele origin: germline. Affected: no.

Genome-Nilou Lab
Classification: Benign for Myopathy, myofibrillar, 9, with early respiratory failure. Last evaluated: 2021-09-10. Review status: criteria provided, single submitter. Criteria: ACMG Guidelines, 2015. Collection method: clinical testing. Allele origin: germline. Affected: no.

Genome-Nilou Lab
Classification: Benign for Early-onset myopathy with fatal cardiomyopathy. Last evaluated: 2021-09-10. Review status: criteria provided, single submitter. Criteria: ACMG Guidelines, 2015. Collection method: clinical testing. Allele origin: germline. Affected: no.

Genome-Nilou Lab
Classification: Benign for Tibial muscular dystrophy. Last evaluated: 2021-09-10. Review status: criteria provided, single submitter. Criteria: ACMG Guidelines, 2015. Collection method: clinical testing. Allele origin: germline. Affected: no.

Fulgent Genetics
Classification: Likely benign for Tibial muscular dystrophy; Myopathy, myofibrillar, 9, with early respiratory failure; Dilated cardiomyopathy 1G; Autosomal recessive limb-girdle muscular dystrophy type 2J; Early-onset myopathy with fatal cardiomyopathy; Hypertrophic cardiomyopathy 9. Last evaluated: 2021-08-11. Review status: criteria provided, single submitter. Criteria: ACMG Guidelines, 2015. Collection method: clinical testing. Allele origin: unknown.

Women's Health and Genetics/Laboratory Corporation of America, LabCorp
Classification: Benign. Last evaluated: 2020-05-10. Review status: criteria provided, single submitter. Criteria: LabCorp Variant Classification Summary - May 2015. Collection method: clinical testing. Allele origin: germline.

GeneDx
Classification: Benign. Last evaluated: 2014-07-09. Review status: criteria provided, single submitter. Criteria: GeneDx Variant Classification (06012015). Collection method: clinical testing. Allele origin: germline. Affected: yes.
Comment: This variant is considered likely benign or benign based on one or more of the following criteria: it is a conservative change, it occurs at a poorly conserved position in the protein, it is predicted to be benign by multiple in silico algorithms, and/or has population frequency not consistent with disease.

Clinical Genetics DNA and cytogenetics Diagnostics Lab, Erasmus MC, Erasmus Medical Center
Classification: Benign. Review status: no assertion criteria provided. Collection method: clinical testing. Allele origin: germline. Affected: yes. Study: VKGL Data-share Consensus. Not counted in ClinVar's aggregate classification.

Clinical Genetics, Academic Medical Center
Classification: Benign. Review status: no assertion criteria provided. Collection method: clinical testing. Allele origin: germline. Affected: yes. Study: VKGL Data-share Consensus. Not counted in ClinVar's aggregate classification.

Joint Genome Diagnostic Labs from Nijmegen and Maastricht, Radboudumc and MUMC+
Classification: Benign. Review status: no assertion criteria provided. Collection method: clinical testing. Allele origin: germline. Affected: yes. Study: VKGL Data-share Consensus. Not counted in ClinVar's aggregate classification.